The following is an entry in ClinVar:

ClinVar aggregate classification (germline): Benign/Likely benign. Review status: criteria provided, multiple submitters, no conflicts (2 of 4 stars). 3 submissions from 3 submitters: Benign (1); Likely benign (2). Last evaluated 2025-03-29.

Conditions:
Hereditary cancer-predisposing syndrome. Also called: Tumor predisposition; Neoplastic Syndromes, Hereditary; Hereditary neoplastic syndrome; Hereditary Cancer Syndrome. Identifiers: Orphanet 140162, MedGen C0027672, MeSH D009386, MONDO:0015356.
Birt-Hogg-Dube syndrome 1 (BHD1). Also called: FIBROFOLLICULOMAS WITH TRICHODISCOMAS AND ACROCHORDONS. Identifiers: Orphanet 122, MedGen CN375946, MONDO:0800445, OMIM 135150.
Birt-Hogg-Dube syndrome. Also called: Birt Hogg Dubé syndrome. Identifiers: Orphanet 122, MedGen C0346010, MONDO:0800444.

Allele frequency attached by ClinVar (database versions not stated): gnomAD exomes below 0.00001.
gnomAD v4.1: 1 of 1,608,540 alleles (0.000062%); highest among the groups gnomAD compares: South Asian, 0.0011%; no homozygotes.

Submissions (3):

Ambry Genetics
Classification: Likely benign for Hereditary cancer-predisposing syndrome. Last evaluated: 2025-03-29. Review status: criteria provided, single submitter. Criteria: Ambry Variant Classification Scheme 2023. Collection method: clinical testing. Allele origin: germline.

Myriad Genetics, Inc.
Classification: Benign for Birt-Hogg-Dube syndrome 1. Last evaluated: 2024-10-23. Review status: criteria provided, single submitter. Criteria: Myriad Autosomal Dominant, Autosomal Recessive and X-Linked Classification Criteria (2023). Collection method: clinical testing. Allele origin: unknown.
Comment: This variant is considered benign. This variant is a silent/synonymous amino acid change and it is not expected to impact splicing.

Labcorp Genetics (formerly Invitae), Labcorp
Classification: Likely benign for Birt-Hogg-Dube syndrome. Last evaluated: 2022-02-15. Review status: criteria provided, single submitter. Criteria: Invitae Variant Classification Sherloc (09022015). Collection method: clinical testing. Allele origin: germline.

NM_144997.7(FLCN):c.801C>T (p.Ser267=)

Gene: FLCN (folliculin; minus strand). Cytogenetic location: 17p11.2.
Variant type: single nucleotide variant.
Coding change: c.801C>T on transcript NM_144997.7 (MANE Select); coding-DNA position 801, C replaced by T.
Protein change: p.Ser267=; no amino-acid change (serine 267 retained).
Molecular consequence: synonymous variant.
Genome position (GRCh38, 1-based): chr17:17,221,607, G>A on the plus strand (C>T on the coding strand, the complement: FLCN is on the minus strand). VCF-style: chr17-17221607-G-A. GRCh37 (hg19) VCF-style: chr17-17124921-G-A.
Other names: c.855C>T, p.Ser285= (NM_001353229.2); c.801C>T, p.Ser267= (NM_001353230.2, NM_001353231.2, NM_144606.7).
Identifiers: ClinVar variation 2089477 (VCV002089477.6), dbSNP rs765807221, ClinGen allele CA8416289.
Genomic context (GRCh38, chr17:17,221,607, plus strand): 5'-CTCCATCTGGACCAAGGTATCCTCGGTCGGAGCACCTTCCAGGAGCTTCTCGGTCAGCCG[G>A]CTGCCACACGCCTTCAGGAGCCTGGAGAACACAGCACCAGCTATGAGCGTTCTCGCCAAA-3'
Protein context (NP_659434.2, residues 257-277): SFAWLLKACG[Ser267=]RLTEKLLEGA